The following is an entry in ClinVar:

NM_182493.3(MYLK3):c.1210C>T (p.Gln404Ter)

Gene: MYLK3 (myosin light chain kinase 3; minus strand). Cytogenetic location: 16q11.2.
Variant type: single nucleotide variant.
Coding change: c.1210C>T on transcript NM_182493.3 (MANE Select); coding-DNA position 1210, C replaced by T.
Protein change: p.Gln404Ter; replaces glutamine 404 with a stop codon.
Molecular consequence: nonsense.
Genome position (GRCh38, 1-based): chr16:46,732,460, G>A on the plus strand (C>T on the coding strand, the complement: MYLK3 is on the minus strand). VCF-style: chr16-46732460-G-A. GRCh37 (hg19) VCF-style: chr16-46766372-G-A.
Other names: c.187C>T, p.Gln63Ter (NM_001308301.1); short protein forms Q63*, Q404*.
Identifiers: ClinVar variation 1466146 (VCV001466146.6), dbSNP rs749043337, ClinGen allele CA8038045.

ClinVar aggregate classification (germline): Uncertain significance (1 of 4 stars; one submission).

Allele frequency attached by ClinVar (database versions not stated): gnomAD exomes below 0.00001; ExAC 0.00001.

Submission:

Labcorp Genetics (formerly Invitae), Labcorp
Classification: Uncertain significance. Last evaluated: 2025-05-15. Review status: criteria provided, single submitter. Criteria: Invitae Variant Classification Sherloc (09022015). Collection method: clinical testing. Allele origin: germline.
Comment: This sequence change creates a premature translational stop signal (p.Gln404*) in the MYLK3 gene. It is expected to result in an absent or disrupted protein product. However, the current clinical and genetic evidence is not sufficient to establish whether loss-of-function variants in MYLK3 cause disease. The frequency data for this variant in the population databases is considered unreliable, as metrics indicate poor data quality at this position in the gnomAD database. This variant has not been reported in the literature in individuals affected with MYLK3-related conditions. ClinVar contains an entry for this variant (Variation ID: 1466146). In summary, the available evidence is currently insufficient to determine the role of this variant in disease. Therefore, it has been classified as a Variant of Uncertain Significance.